The following is an entry in ClinVar:

ClinVar aggregate classification (germline): Likely benign (0 of 4 stars; one submission).

Conditions:
NRCAM-related disorder.

Allele frequency attached by ClinVar (database versions not stated): ExAC 0.00041; 1000 Genomes Project 30x 0.00078; 1000 Genomes Project 0.00080; gnomAD 0.00151; ESP Exome Variant Server 0.00161.
gnomAD v4.1: 435 of 1,613,234 alleles (0.027%); highest among the groups gnomAD compares: African/African-American, 0.53%; 1 homozygote.

Submission:

PreventionGenetics, part of Exact Sciences
Classification: Likely benign for NRCAM-related condition. Last evaluated: 2019-10-28. Review status: no assertion criteria provided. Collection method: clinical testing. Allele origin: germline.
Comment: This variant is classified as likely benign based on ACMG/AMP sequence variant interpretation guidelines (Richards et al. 2015 PMID: 25741868, with internal and published modifications).

NM_001037132.4(NRCAM):c.2997C>T (p.Gly999=)

Gene: NRCAM (neuronal cell adhesion molecule; minus strand). Cytogenetic location: 7q31.1.
Variant type: single nucleotide variant.
Coding change: c.2997C>T on transcript NM_001037132.4 (MANE Select); coding-DNA position 2997, C replaced by T.
Protein change: p.Gly999=; no amino-acid change (glycine 999 retained).
Molecular consequence: synonymous variant. On other transcripts: non-coding transcript variant (5), intron variant (3).
Genome position (GRCh38, 1-based): chr7:108,176,584, G>A on the plus strand (C>T on the coding strand, the complement: NRCAM is on the minus strand). VCF-style: chr7-108176584-G-A. GRCh37 (hg19) VCF-style: chr7-107817029-G-A.
Other names: c.2997C>T, p.Gly999= (NM_001193582.2, NM_001371123.1, NM_001371128.1 and 10 more transcripts); c.2940C>T, p.Gly980= (NM_001193583.2, NM_001193584.2, NM_001371119.1 and 20 more transcripts); c.2652C>T, p.Gly884= (NM_001371125.1, NM_001371142.1, NM_001371143.1 and 2 more transcripts); c.2994C>T, p.Gly998= (NM_001371127.1); c.2949C>T, p.Gly983= (NM_001371130.1, NM_001371133.1, NM_001371136.1 and 7 more transcripts); c.2946C>T, p.Gly982= (NM_001371134.1); c.2040C>T, p.Gly680= (NM_001371137.1); c.2679C>T, p.Gly893= (NM_001371148.1, NM_001371170.1, NM_001371179.1 and 1 more transcripts); and 5 more.
Identifiers: ClinVar variation 3040067 (VCV003040067.2), dbSNP rs149639654, ClinGen allele CA4438428.